The following is an entry in ClinVar:

NM_015087.5(SPART):c.882G>A (p.Met294Ile)

Gene: SPART (spartin; minus strand). Cytogenetic location: 13q13.3.
Variant type: single nucleotide variant.
Coding change: c.882G>A on transcript NM_015087.5 (MANE Select); coding-DNA position 882, G replaced by A.
Protein change: p.Met294Ile; replaces methionine 294 with isoleucine.
Molecular consequence: missense variant.
Genome position (GRCh38, 1-based): chr13:36,331,525, C>T on the plus strand (G>A on the coding strand, the complement: SPART is on the minus strand). VCF-style: chr13-36331525-C-T. GRCh37 (hg19) VCF-style: chr13-36905662-C-T.
Other names: c.882G>A, p.Met294Ile (NM_001142294.2, NM_001142295.2, NM_001142296.2); c.882G>A (NM_015087.4); short protein forms M294I.
Identifiers: ClinVar variation 2196978 (VCV002196978.5), dbSNP rs1374630715, ClinGen allele CA387861225.

ClinVar aggregate classification (germline): Uncertain significance. Review status: criteria provided, multiple submitters, no conflicts (2 of 4 stars). 2 submissions from 2 submitters: Uncertain significance (2). Last evaluated 2025-09-25.

Conditions:
Inborn genetic diseases. Identifiers: MedGen C0950123, MeSH D030342.

Allele frequency attached by ClinVar (database versions not stated): gnomAD exomes below 0.00001; gnomAD 0.00001; TOPMed 0.00007.
gnomAD v4.1: 5 of 1,613,904 alleles (0.00031%); highest among the groups gnomAD compares: Admixed American, 0.0067%; no homozygotes.

Submissions (2):

Ambry Genetics
Classification: Uncertain significance for Inborn genetic diseases. Last evaluated: 2025-09-25. Review status: criteria provided, single submitter. Criteria: Ambry Variant Classification Scheme 2023. Collection method: clinical testing. Allele origin: germline.

Labcorp Genetics (formerly Invitae), Labcorp
Classification: Uncertain significance. Last evaluated: 2021-12-23. Review status: criteria provided, single submitter. Criteria: Invitae Variant Classification Sherloc (09022015). Collection method: clinical testing. Allele origin: germline.
Comment: This sequence change replaces methionine, which is neutral and non-polar, with isoleucine, which is neutral and non-polar, at codon 294 of the SPART protein (p.Met294Ile). This variant is not present in population databases (gnomAD no frequency). This variant has not been reported in the literature in individuals affected with SPART-related conditions. Algorithms developed to predict the effect of missense changes on protein structure and function (SIFT, PolyPhen-2, Align-GVGD) all suggest that this variant is likely to be tolerated. In summary, the available evidence is currently insufficient to determine the role of this variant in disease. Therefore, it has been classified as a Variant of Uncertain Significance.